The following is an entry in ClinVar:

NM_006767.4(LZTR1):c.808del (p.Thr270fs)

Gene: LZTR1 (leucine zipper like post translational regulator 1; plus strand). Cytogenetic location: 22q11.21.
Variant type: Deletion.
Coding change: c.808del on transcript NM_006767.4 (MANE Select); coding-DNA position 808, one base deleted (A; older notation c.808delA).
Protein change: p.Thr270fs; shifts the reading frame from threonine 270.
Molecular consequence: frameshift variant.
Genome position (GRCh38, 1-based): chr22:20,991,644, A deleted; the last of 2 consecutive A bases (chr22:20,991,643-20,991,644); deleting either gives the same sequence. VCF-style (leftmost placement, unchanged base first): chr22-20991642-CA-C. GRCh37 (hg19) VCF-style: chr22-21345931-CA-C.
Other names: short protein forms T270fs.
Identifiers: ClinVar variation 4859376 (VCV004859376.1).

ClinVar aggregate classification (germline): Pathogenic (1 of 4 stars; one submission).

Conditions:
Cardiovascular phenotype. Identifiers: MedGen CN230736.
Hereditary cancer-predisposing syndrome. Also called: Neoplastic Syndromes, Hereditary; Tumor predisposition; Hereditary Cancer Syndrome; Hereditary neoplastic syndrome. Identifiers: Orphanet 140162, MedGen C0027672, MeSH D009386, MONDO:0015356.

Submission:

Ambry Genetics
Classification: Pathogenic for Cardiovascular phenotype; Hereditary cancer-predisposing syndrome. Last evaluated: 2026-04-14. Review status: criteria provided, single submitter. Criteria: Ambry Variant Classification Scheme 2023. Collection method: clinical testing. Allele origin: germline.
Comment: The c.808delA pathogenic mutation, located in coding exon 9 of the LZTR1 gene, results from a deletion of one nucleotide at nucleotide position 808, causing a translational frameshift with a predicted alternate stop codon (p.T270Lfs*81). This alteration is expected to result in loss of function by premature protein truncation or nonsense-mediated mRNA decay. Loss-of-function variants in LZTR1 are related to an increased risk for schwannomas and autosomal recessive Noonan syndrome; however, such associations with autosomal dominant Noonan syndrome have not been observed (Piotrowski A et al. Nat Genet. 2014 Feb;46:182-7; Yamamoto GL et al. J Med Genet. 2015 Jun;52:413-21; Johnston JJ et al. Genet Med. 2018 10;20:1175-1185). Based on the supporting evidence, this variant is pathogenic for an increased risk of LZTR1-related schwannomatosis (SWN) and would be expected to cause autosomal recessive Noonan syndrome when present along with a second pathogenic or likely pathogenic variant on the other allele; however, the association of this variant with autosomal dominant Noonan syndrome is unlikely.